The following is an entry in ClinVar:

NM_001040108.2(MLH3):c.2042A>G (p.Tyr681Cys)

Gene: MLH3 (mutL homolog 3; minus strand). Cytogenetic location: 14q24.3.
Variant type: single nucleotide variant.
Coding change: c.2042A>G on transcript NM_001040108.2 (MANE Select); coding-DNA position 2042, A replaced by G.
Protein change: p.Tyr681Cys; replaces tyrosine 681 with cysteine.
Molecular consequence: missense variant.
Genome position (GRCh38, 1-based): chr14:75,047,614, T>C on the plus strand (A>G on the coding strand, the complement: MLH3 is on the minus strand). VCF-style: chr14-75047614-T-C. GRCh37 (hg19) VCF-style: chr14-75514317-T-C.
Other names: c.2042A>G, p.Tyr681Cys (NM_014381.3); short protein forms Y681C.
Identifiers: ClinVar variation 4806108 (VCV004806108.1).

ClinVar aggregate classification (germline): Uncertain significance (1 of 4 stars; one submission).

Conditions:
Colorectal cancer, hereditary nonpolyposis, type 7. Identifiers: Orphanet 144, MedGen C1858380, MONDO:0013725, OMIM 614385.

Submission:

Labcorp Genetics (formerly Invitae), Labcorp
Classification: Uncertain significance for Colorectal cancer, hereditary nonpolyposis, type 7. Last evaluated: 2025-04-07. Review status: criteria provided, single submitter. Criteria: Invitae Variant Classification Sherloc (09022015). Collection method: clinical testing. Allele origin: germline.
Comment: This sequence change replaces tyrosine, which is neutral and polar, with cysteine, which is neutral and slightly polar, at codon 681 of the MLH3 protein (p.Tyr681Cys). This variant is not present in population databases (gnomAD no frequency). This variant has not been reported in the literature in individuals affected with MLH3-related conditions. An algorithm developed to predict the effect of missense changes on protein structure and function outputs the following: PolyPhen-2: "Benign". The cysteine amino acid residue is found in multiple mammalian species, which suggests that this missense change does not adversely affect protein function. In summary, the available evidence is currently insufficient to determine the role of this variant in disease. Therefore, it has been classified as a Variant of Uncertain Significance.